The following is an entry in ClinVar:

ClinVar aggregate classification (germline): Likely benign (0 of 4 stars; one submission).

Conditions:
MBD6-related disorder. Also called: MBD6-related condition.

Allele frequency attached by ClinVar (database versions not stated): TOPMed 0.00008; ESP Exome Variant Server 0.00015; gnomAD 0.00037; ExAC 0.00068; 1000 Genomes Project 30x 0.00187; 1000 Genomes Project 0.00220.
gnomAD v4.1: 731 of 1,511,548 alleles (0.048%); highest among the groups gnomAD compares: South Asian, 0.85%; 8 homozygotes.

Submission:

PreventionGenetics, part of Exact Sciences
Classification: Likely benign for MBD6-related condition. Last evaluated: 2022-12-01. Review status: no assertion criteria provided. Collection method: clinical testing. Allele origin: germline.
Comment: This variant is classified as likely benign based on ACMG/AMP sequence variant interpretation guidelines (Richards et al. 2015 PMID: 25741868, with internal and published modifications).

NM_052897.4(MBD6):c.1436C>G (p.Pro479Arg)

Gene: MBD6 (methyl-CpG binding domain protein 6; plus strand). Cytogenetic location: 12q13.3.
Variant type: single nucleotide variant.
Coding change: c.1436C>G on transcript NM_052897.4 (MANE Select); coding-DNA position 1436, C replaced by G.
Protein change: p.Pro479Arg; replaces proline 479 with arginine.
Molecular consequence: missense variant.
Genome position (GRCh38, 1-based): chr12:57,526,581, C>G. VCF-style: chr12-57526581-C-G. GRCh37 (hg19) VCF-style: chr12-57920364-C-G.
Other names: short protein forms P479R.
Identifiers: ClinVar variation 3046073 (VCV003046073.2), dbSNP rs377266092, ClinGen allele CA6651482.
Genomic context (GRCh38, chr12:57,526,581, plus strand): 5'-GGAGAAAGGGCCTCCCTTGAGCTGAATTTCTCTCCTCTTTTACAGGTGCCCCTGCCCCAC[C>G]AGCTGCCTCCAAAGCCCCAGTAGTCCCCAGCCCTGTGCTTCAAAGCCCATCCGAAGGACT-3'
Protein context (NP_443129.3, residues 469-489): LSSVPGAPAP[Pro479Arg]AASKAPVVPS